The following is an entry in ClinVar:

ClinVar aggregate classification (germline): Uncertain significance (1 of 4 stars; one submission).

Submission:

Women's Health and Genetics/Laboratory Corporation of America, LabCorp
Classification: Uncertain significance. Last evaluated: 2017-03-10. Review status: criteria provided, single submitter. Criteria: LabCorp Variant Classification Summary - May 2015. Collection method: clinical testing. Allele origin: germline.
Comment: Variant summary:The GJB2 c.-122A>C variant involves the alteration of a non-conserved nucleotide, resulting in a change in the 5UTR region. One in silico tool predicts a benign outcome for this variant. However, no studies implying effect of this change on transcription efficiency were published at the time of evaluation. The variant is absent from the large population dataset of gnomAD, and ExAC/ESP datasets do not have coverage of this position. The variant of interest has not, to our knowledge, been reported in affected individuals via publications and/or clinical laboratories. Due to the absence of clinical information and lack of functional studies, the variant was classified as a variant of uncertain significance until additional information becomes available.

NM_004004.6(GJB2):c.-112A>C

Gene: GJB2 (gap junction protein beta 2; minus strand). Cytogenetic location: 13q12.11.
Variant type: single nucleotide variant.
Coding change: c.-112A>C on transcript NM_004004.6 (MANE Select); 112 bases upstream of the start codon, A replaced by C.
Molecular consequence: 5 prime UTR variant.
Genome position (GRCh38, 1-based): chr13:20,192,872, T>G on the plus strand (A>C on the coding strand, the complement: GJB2 is on the minus strand). VCF-style: chr13-20192872-T-G. GRCh37 (hg19) VCF-style: chr13-20767011-T-G.
Identifiers: ClinVar variation 496213 (VCV000496213.1), dbSNP rs1555342240, ClinGen allele CA658683798.
Genomic context (GRCh38, chr13:20,192,872, plus strand): 5'-GGGCGGGGGTCTCGGCGTTGGGGTCTCTGCGCTGGGGCTCCTGCGCTCCTAGGCGGGTCC[T>G]GGGCCGGGCGCCGCCGAGGGGCTCCGAGTCGGGGAGAGGAGCGCGCGGGCGCTGCGGGGC-3'